The following is an entry in ClinVar:

ClinVar aggregate classification (germline): Uncertain significance. Review status: criteria provided, multiple submitters, no conflicts (2 of 4 stars). 4 submissions from 4 submitters: Uncertain significance (4). Last evaluated 2025-07-01.

Conditions:
Cardiovascular phenotype. Identifiers: MedGen CN230736.
Catecholaminergic polymorphic ventricular tachycardia (CVPT). Also called: Catecholamine-induced polymorphic ventricular tachycardia. Identifiers: Orphanet 3286, MedGen C5574922, MONDO:0017990.
Catecholaminergic polymorphic ventricular tachycardia 1. Also called: VENTRICULAR TACHYCARDIA, CATECHOLAMINERGIC POLYMORPHIC, 1, WITH OR WITHOUT ATRIAL DYSFUNCTION AND/OR DILATED CARDIOMYOPATHY; RYR2-Related Catecholaminergic Polymorphic Ventricular Tachycardia; VENTRICULAR TACHYCARDIA, STRESS-INDUCED POLYMORPHIC 1. Identifiers: Orphanet 3286, MedGen C1631597, MONDO:0011484, OMIM 604772.
Cardiomyopathy (CMYO). Also called: Cardiomyopathies. Identifiers: Orphanet 167848, MedGen C0878544, MONDO:0004994, HP:0001638. Inheritance: Various modes of inheritance.

gnomAD v4.1: 9 of 1,610,876 alleles (0.00056%); highest among the groups gnomAD compares: Non-Finnish European, 0.00076%; no homozygotes.

Submissions (4):

Color Diagnostics, LLC DBA Color Health
Classification: Uncertain significance for Cardiomyopathy. Last evaluated: 2025-07-01. Review status: criteria provided, single submitter. Criteria: ACMG Guidelines, 2015. Collection method: clinical testing. Allele origin: germline.
Comment: This missense variant replaces proline with arginine at codon 3544 of the RYR2 protein. Computational prediction suggests that this variant may have a deleterious impact on protein structure and function. To our knowledge, functional studies have not been reported for this variant. This variant has not been reported in individuals affected with RYR2-related disorders in the literature. This variant has not been identified in the general population by the Genome Aggregation Database (gnomAD). The available evidence is insufficient to determine the role of this variant in disease conclusively. Therefore, this variant is classified as a Variant of Uncertain Significance.

Ambry Genetics
Classification: Uncertain significance for Cardiovascular phenotype. Last evaluated: 2024-08-22. Review status: criteria provided, single submitter. Criteria: Ambry Variant Classification Scheme 2023. Collection method: clinical testing. Allele origin: germline.
Comment: The p.P3544R variant (also known as c.10631C>G), located in coding exon 74 of the RYR2 gene, results from a C to G substitution at nucleotide position 10631. The proline at codon 3544 is replaced by arginine, an amino acid with dissimilar properties. This amino acid position is highly conserved in available vertebrate species. In addition, this alteration is predicted to be deleterious by in silico analysis. Based on the available evidence, the clinical significance of this variant remains unclear.

Labcorp Genetics (formerly Invitae), Labcorp
Classification: Uncertain significance for Catecholaminergic polymorphic ventricular tachycardia 1. Last evaluated: 2024-06-03. Review status: criteria provided, single submitter. Criteria: Invitae Variant Classification Sherloc (09022015). Collection method: clinical testing. Allele origin: germline.
Comment: This sequence change replaces proline, which is neutral and non-polar, with arginine, which is basic and polar, at codon 3544 of the RYR2 protein (p.Pro3544Arg). This variant is present in population databases (rs752032924, gnomAD 0.004%). This variant has not been reported in the literature in individuals affected with RYR2-related conditions. ClinVar contains an entry for this variant (Variation ID: 404199). Advanced modeling of protein sequence and biophysical properties (such as structural, functional, and spatial information, amino acid conservation, physicochemical variation, residue mobility, and thermodynamic stability) has been performed at Invitae for this missense variant, however the output from this modeling did not meet the statistical confidence thresholds required to predict the impact of this variant on RYR2 protein function. In summary, the available evidence is currently insufficient to determine the role of this variant in disease. Therefore, it has been classified as a Variant of Uncertain Significance.

All of Us Research Program, National Institutes of Health
Classification: Uncertain significance for Catecholaminergic polymorphic ventricular tachycardia. Last evaluated: 2023-12-13. Review status: criteria provided, single submitter. Criteria: ACMG Guidelines, 2015. Collection method: clinical testing. Allele origin: germline. Inheritance: Autosomal dominant inheritance. Observed: 4 variant alleles, 4 heterozygotes.
Comment: This missense variant replaces proline with arginine at codon 3544 of the RYR2 protein. Computational prediction suggests that this variant may have deleterious impact on protein structure and function (internally defined REVEL score threshold >= 0.7, PMID: 27666373). Splice site prediction tools suggest that this variant may not impact RNA splicing. To our knowledge, functional studies have not been performed for this variant. This variant has not been reported in individuals affected with cardiovascular disorders in the literature. This variant has not been identified in the general population by the Genome Aggregation Database (gnomAD). The available evidence is insufficient to determine the role of this variant in disease conclusively. Therefore, this variant is classified as a Variant of Uncertain Significance.

This study involves interpretation of variants in research participants for the purpose of population health screening. Participant phenotype was not available at the time of variant classification. Additional details can be found in publication PMID: 35346344, PMCID: PMC8962531

NM_001035.3(RYR2):c.10631C>G (p.Pro3544Arg)

Gene: RYR2 (ryanodine receptor 2; plus strand). Cytogenetic location: 1q43.
Variant type: single nucleotide variant.
Coding change: c.10631C>G on transcript NM_001035.3 (MANE Select); coding-DNA position 10631, C replaced by G.
Protein change: p.Pro3544Arg; replaces proline 3544 with arginine.
Molecular consequence: missense variant.
Genome position (GRCh38, 1-based): chr1:237,723,204, C>G. VCF-style: chr1-237723204-C-G. GRCh37 (hg19) VCF-style: chr1-237886504-C-G.
Other names: c.10631C>G, p.Pro3544Arg (LRG_402t1); short protein forms P3544R.
Identifiers: ClinVar variation 404199 (VCV000404199.16), dbSNP rs752032924, ClinGen allele CA084426.
Genomic context (GRCh38, chr1:237,723,204, plus strand): 5'-TTAGATGGCAAATGGCTCTTTACAAAGACTTACCAAACAGGACTGATGATACCTCAGATC[C>G]AGAGAAGACGGTAGAAAGAGTATTGGATATAGCAAATGTGCTTTTTCATCTTGAACAGGT-3'
Protein context (NP_001026.2, residues 3534-3554): LPNRTDDTSD[Pro3544Arg]EKTVERVLDI